The following is an entry in ClinVar:

NM_001384474.1(LOXHD1):c.3335T>C (p.Met1112Thr)

Gene: LOXHD1 (lipoxygenase homology PLAT domains 1; minus strand). Cytogenetic location: 18q21.1.
Variant type: single nucleotide variant.
Coding change: c.3335T>C on transcript NM_001384474.1 (MANE Select); coding-DNA position 3335, T replaced by C.
Protein change: p.Met1112Thr; replaces methionine 1112 with threonine.
Molecular consequence: missense variant. On other transcripts: initiator codon variant (1).
Genome position (GRCh38, 1-based): chr18:46,557,371, A>G on the plus strand (T>C on the coding strand, the complement: LOXHD1 is on the minus strand). VCF-style: chr18-46557371-A-G. GRCh37 (hg19) VCF-style: chr18-44137334-A-G.
Other names: c.2T>C, p.Met1Thr (NM_001145472.3); c.3335T>C, p.Met1112Thr (NM_144612.7); short protein forms M1T, M1112T.
Identifiers: ClinVar variation 667258 (VCV000667258.9), dbSNP rs371252446, ClinGen allele CA8952515.

ClinVar aggregate classification (germline): Uncertain significance. Review status: criteria provided, multiple submitters, no conflicts (2 of 4 stars). 5 submissions from 5 submitters: Uncertain significance (4). 1 of the submissions does not count toward it. Last evaluated 2026-01-22.

Conditions:
Autosomal recessive nonsyndromic hearing loss 77. Identifiers: Orphanet 90636, MedGen C2746083, MONDO:0013119, OMIM 613079.

Allele frequency attached by ClinVar (database versions not stated): gnomAD 0.00006 and 0.00007; gnomAD exomes 0.00007 and 0.00011; TOPMed 0.00010; ExAC 0.00012; ESP Exome Variant Server 0.00044.

Submissions (5):

Women's Health and Genetics/Laboratory Corporation of America, LabCorp
Classification: Uncertain significance. Last evaluated: 2026-01-22. Review status: criteria provided, single submitter. Criteria: LabCorp Variant Classification Summary - May 2015. Collection method: clinical testing. Allele origin: germline.

Labcorp Genetics (formerly Invitae), Labcorp
Classification: Uncertain significance. Last evaluated: 2022-05-08. Review status: criteria provided, single submitter. Criteria: Invitae Variant Classification Sherloc (09022015). Collection method: clinical testing. Allele origin: germline.
Comment: This sequence change replaces methionine, which is neutral and non-polar, with threonine, which is neutral and polar, at codon 1112 of the LOXHD1 protein (p.Met1112Thr). This variant is present in population databases (rs371252446, gnomAD 0.03%), including at least one homozygous and/or hemizygous individual. This variant has not been reported in the literature in individuals affected with LOXHD1-related conditions. ClinVar contains an entry for this variant (Variation ID: 667258). Algorithms developed to predict the effect of missense changes on protein structure and function output the following: SIFT: "Tolerated"; PolyPhen-2: "Benign"; Align-GVGD: "Class C0". The threonine amino acid residue is found in multiple mammalian species, which suggests that this missense change does not adversely affect protein function. In summary, the available evidence is currently insufficient to determine the role of this variant in disease. Therefore, it has been classified as a Variant of Uncertain Significance.

Fulgent Genetics
Classification: Uncertain significance for Autosomal recessive nonsyndromic hearing loss 77. Last evaluated: 2022-01-08. Review status: criteria provided, single submitter. Criteria: ACMG Guidelines, 2015. Collection method: clinical testing. Allele origin: unknown.

Laboratory for Molecular Medicine, Mass General Brigham Personalized Medicine
Classification: Uncertain significance. Last evaluated: 2018-06-21. Review status: criteria provided, single submitter. Criteria: LMM Criteria. Collection method: clinical testing. Allele origin: germline. Observed: 1 variant allele.
Comment: Variant classified as Uncertain Significance - Favor Benign. The p.Met1112Thr va riant in LOXHD1 has not been previously reported in individuals with hearing los s, but has been identified in 0.027% (20/74076) of European chromosomes by the G enome Aggregation Database (gnomAD; dbSNP rs37 1252446). Computational prediction tools and conservation analysis suggest that the p.Met1112Thr variant may not impact the protein, though this information is not predictive enough to rule out pathogenicity. In summary, while the clinical significance of the p.Met1112Thr variant is uncertain, these data suggest that i t is more likely to be benign. ACMG/AMP Criteria applied: PM2_Supporting, BP4.

Natera, Inc.
Classification: Uncertain significance for Autosomal recessive deafness type 77. Last evaluated: 2020-09-16. Review status: no assertion criteria provided. Collection method: clinical testing. Allele origin: germline. Not counted in ClinVar's aggregate classification.